The following is an entry in ClinVar:

NM_000368.5(TSC1):c.363+668G>C

Gene: TSC1 (TSC complex subunit 1; minus strand). Cytogenetic location: 9q34.13.
Variant type: single nucleotide variant.
Coding change: c.363+668G>C on transcript NM_000368.5 (MANE Select); 668 bases into the intron after coding-DNA position 363, G replaced by C.
Molecular consequence: intron variant. On other transcripts: 5 prime UTR variant (2).
Genome position (GRCh38, 1-based): chr9:132,924,919, C>G on the plus strand (G>C on the coding strand, the complement: TSC1 is on the minus strand). VCF-style: chr9-132924919-C-G. GRCh37 (hg19) VCF-style: chr9-135800306-C-G.
Other names: c.-1+668G>C (NM_001406621.1, NM_001406617.1, NM_001406620.1 and 5 more transcripts); c.211-1427G>C (NM_001406613.1, NM_001406612.1, NM_001406610.1 and 2 more transcripts); c.-515+668G>C (NM_001406627.1, NM_001406628.1, NM_001406626.1); c.-657+668G>C (NM_001406629.1); c.-105G>C (NM_001406615.1, NM_001406623.1); c.363+668G>C (NM_001406603.1, NM_001406609.1, NM_001406597.1 and 16 more transcripts); c.-92-13G>C (NM_001406614.1, NM_001406624.1, NM_001406616.1); c.-731+668G>C (NM_001406630.1).
Identifiers: ClinVar variation 3778883 (VCV003778883.1).

ClinVar aggregate classification (germline): Pathogenic (1 of 4 stars; one submission).

Conditions:
Tuberous sclerosis 1 (TSC1). Identifiers: Orphanet 805, MedGen C1854465, MONDO:0008612, OMIM 191100.

Submission:

Department of Traditional Chinese Medicine, Fujian Provincial Hospital
Classification: Pathogenic for Tuberous sclerosis 1. Review status: criteria provided, single submitter. Criteria: ACMG Guidelines, 2015. Collection method: research. Allele origin: unknown.
Comment: We found a family with the TSC1 c.363+668G>A mutation exhibited diverse tuberous sclerosis complex (TSC) manifestations. RT-qPCR revealed significantly reduced TSC1 mRNA expression in affected individuals. Minigene assays and family segregation analysis confirmed aberrant splicing due to retained intronic sequences in mutant samples, suggesting alternative splicing disruption as the underlying mechanism. This variant contributes to phenotypic variability in TSC1-related disease.